The following is an entry in ClinVar:

NM_001042517.2(DIAPH3):c.388A>G (p.Met130Val)

Gene: DIAPH3 (diaphanous related formin 3; minus strand). Cytogenetic location: 13q21.2.
Variant type: single nucleotide variant.
Coding change: c.388A>G on transcript NM_001042517.2 (MANE Select); coding-DNA position 388, A replaced by G.
Protein change: p.Met130Val; replaces methionine 130 with valine.
Molecular consequence: missense variant. On other transcripts: intron variant (1).
Genome position (GRCh38, 1-based): chr13:60,112,012, T>C on the plus strand (A>G on the coding strand, the complement: DIAPH3 is on the minus strand). VCF-style: chr13-60112012-T-C. GRCh37 (hg19) VCF-style: chr13-60686146-T-C.
Other names: c.355A>G, p.Met119Val (NM_001258366.2, NM_001258367.2); c.388A>G, p.Met130Val (NM_001258369.2); c.181-18280A>G (NM_001258368.2); c.388A>G (NM_001042517.1); short protein forms M130V, M119V.
Identifiers: ClinVar variation 1512955 (VCV001512955.8), dbSNP rs200174324, ClinGen allele CA6997027.

ClinVar aggregate classification (germline): Uncertain significance. Review status: criteria provided, multiple submitters, no conflicts (2 of 4 stars). 2 submissions from 2 submitters: Uncertain significance (2). Last evaluated 2025-10-16.

Allele frequency attached by ClinVar (database versions not stated): TOPMed 0.00012; gnomAD 0.00015 and 0.00016; ESP Exome Variant Server 0.00034.

Submissions (2):

Labcorp Genetics (formerly Invitae), Labcorp
Classification: Uncertain significance. Last evaluated: 2025-10-16. Review status: criteria provided, single submitter. Criteria: Invitae Variant Classification Sherloc (09022015). Collection method: clinical testing. Allele origin: germline.
Comment: This sequence change replaces methionine, which is neutral and non-polar, with valine, which is neutral and non-polar, at codon 130 of the DIAPH3 protein (p.Met130Val). This variant is present in population databases (rs200174324, gnomAD 0.02%). This variant has not been reported in the literature in individuals affected with DIAPH3-related conditions. ClinVar contains an entry for this variant (Variation ID: 1512955). An algorithm developed to predict the effect of missense changes on protein structure and function (PolyPhen-2) suggests that this variant is likely to be tolerated. In summary, the available evidence is currently insufficient to determine the role of this variant in disease. Therefore, it has been classified as a Variant of Uncertain Significance.

Ambry Genetics
Classification: Uncertain significance. Last evaluated: 2025-08-25. Review status: criteria provided, single submitter. Criteria: Ambry Variant Classification Scheme 2023. Collection method: clinical testing. Allele origin: germline.